The following is an entry in ClinVar:

NM_000447.3(PSEN2):c.756G>C (p.Ala252=)

Gene: PSEN2 (presenilin 2; plus strand). Cytogenetic location: 1q42.13.
Variant type: single nucleotide variant.
Coding change: c.756G>C on transcript NM_000447.3 (MANE Select); coding-DNA position 756, G replaced by C.
Protein change: p.Ala252=; no amino-acid change (alanine 252 retained).
Molecular consequence: synonymous variant.
Genome position (GRCh38, 1-based): chr1:226,889,018, G>C. VCF-style: chr1-226889018-G-C. GRCh37 (hg19) VCF-style: chr1-227076719-G-C.
Other names: p.Ala252=; c.756G>C, p.Ala252= (NM_012486.3).
Identifiers: ClinVar variation 256186 (VCV000256186.49), dbSNP rs147702142, ClinGen allele CA1424627.

ClinVar aggregate classification (germline): Benign/Likely benign. Review status: criteria provided, multiple submitters, no conflicts (2 of 4 stars). 13 submissions from 12 submitters: Benign (5); Likely benign (5). 3 of the submissions do not count toward it. Last evaluated 2026-09-01.

Conditions:
Dilated cardiomyopathy 1V (CMD1V). Identifiers: Orphanet 154, MedGen C3150958, MONDO:0013373, OMIM 613697.
Alzheimer disease 4 (AD4). Identifiers: Orphanet 1020, MedGen C1847200, MONDO:0011743, OMIM 606889.

Allele frequency attached by ClinVar (database versions not stated): 1000 Genomes Project 30x 0.00203; 1000 Genomes Project 0.00240; TOPMed 0.00250; ESP Exome Variant Server 0.00308; gnomAD 0.00621.
gnomAD v4.1: 7,813 of 1,614,048 alleles (0.48%); highest among the groups gnomAD compares: Non-Finnish European, 0.5%; 34 homozygotes.

Submissions (13):

CeGaT Center for Human Genetics Tuebingen
Classification: Likely benign. Last evaluated: 2026-09-01. Review status: criteria provided, single submitter. Criteria: CeGaT Center For Human Genetics Tuebingen Variant Classification Criteria Version 2. Collection method: clinical testing. Allele origin: germline. Affected: yes. Observed: 16 variant alleles.
Comment: PSEN2: BP4, BP7, BS2

Labcorp Genetics (formerly Invitae), Labcorp
Classification: Benign for Alzheimer disease 4. Last evaluated: 2026-02-01. Review status: criteria provided, single submitter. Criteria: Invitae Variant Classification Sherloc (09022015). Collection method: clinical testing. Allele origin: germline.

ARUP Laboratories, Molecular Genetics and Genomics, ARUP Laboratories
Classification: Benign. Last evaluated: 2024-12-13. Review status: criteria provided, single submitter. Criteria: ARUP Molecular Germline Variant Investigation Process 2024. Collection method: clinical testing. Allele origin: germline.

Mayo Clinic Laboratories, Mayo Clinic
Classification: Benign. Last evaluated: 2024-01-23. Review status: criteria provided, single submitter. Criteria: ACMG Guidelines, 2015. Collection method: clinical testing. Allele origin: germline. Observed: 4 variant alleles.
Comment: BS1, BS2, BP4, BP7

GeneDx
Classification: Likely benign. Last evaluated: 2021-03-01. Review status: criteria provided, single submitter. Criteria: GeneDx Variant Classification Process June 2021. Collection method: clinical testing. Allele origin: germline. Affected: yes.

Athena Diagnostics
Classification: Benign. Last evaluated: 2018-12-26. Review status: criteria provided, single submitter. Criteria: Athena Diagnostics Criteria. Collection method: clinical testing. Allele origin: germline.

Illumina Laboratory Services, Illumina
Classification: Likely benign for Dilated cardiomyopathy 1V. Last evaluated: 2018-01-13. Review status: criteria provided, single submitter. Criteria: ICSL Variant Classification Criteria 13 December 2019. Collection method: clinical testing. Allele origin: germline.
Comment: This variant was observed in the ICSL laboratory as part of a predisposition screen in an ostensibly healthy population. It had not been previously curated by ICSL or reported in the Human Gene Mutation Database (HGMD: prior to June 1st, 2018), and was therefore a candidate for classification through an automated scoring system. Utilizing variant allele frequency, disease prevalence and penetrance estimates, and inheritance mode, an automated score was calculated to assess if this variant is too frequent to cause the disease. Based on the score and internal cut-off values, a variant classified as likely benign is not then subjected to further curation. The score for this variant resulted in a classification of likely benign for this disease.

Illumina Laboratory Services, Illumina
Classification: Likely benign for Alzheimer disease 4. Last evaluated: 2018-01-13. Review status: criteria provided, single submitter. Criteria: ICSL Variant Classification Criteria 13 December 2019. Collection method: clinical testing. Allele origin: germline.
Comment: the same text as in the submission from Illumina Laboratory Services, Illumina above.

Breakthrough Genomics
Classification: Likely benign. Review status: criteria provided, single submitter. Criteria: ACMG Guidelines, 2015. Collection method: not provided. Allele origin: germline. Inheritance: Autosomal dominant inheritance. Affected: yes.

PreventionGenetics, part of Exact Sciences
Classification: Benign. Review status: criteria provided, single submitter. Criteria: ACMG Guidelines, 2015. Collection method: clinical testing. Allele origin: germline.

Clinical Genetics DNA and cytogenetics Diagnostics Lab, Erasmus MC, Erasmus Medical Center
Classification: Likely benign. Review status: no assertion criteria provided. Collection method: clinical testing. Allele origin: germline. Affected: yes. Study: VKGL Data-share Consensus. Not counted in ClinVar's aggregate classification.

Diagnostic Laboratory, Department of Genetics, University Medical Center Groningen
Classification: Likely benign. Review status: no assertion criteria provided. Collection method: clinical testing. Allele origin: germline. Affected: yes. Study: VKGL Data-share Consensus. Not counted in ClinVar's aggregate classification.

Genome Diagnostics Laboratory, Amsterdam University Medical Center
Classification: Likely benign. Review status: no assertion criteria provided. Collection method: clinical testing. Allele origin: germline. Affected: yes. Study: VKGL Data-share Consensus. Not counted in ClinVar's aggregate classification.

Literature cited by the submitters: PubMed 14769392 (cited by Athena Diagnostics).